The following is an entry in ClinVar:

NM_000465.4(BARD1):c.986C>T (p.Ser329Phe)

Gene: BARD1 (BRCA1 associated RING domain 1; minus strand). Cytogenetic location: 2q35.
Variant type: single nucleotide variant.
Coding change: c.986C>T on transcript NM_000465.4 (MANE Select); coding-DNA position 986, C replaced by T.
Protein change: p.Ser329Phe; replaces serine 329 with phenylalanine.
Molecular consequence: missense variant. On other transcripts: non-coding transcript variant (2), intron variant (3).
Genome position (GRCh38, 1-based): chr2:214,780,888, G>A on the plus strand (C>T on the coding strand, the complement: BARD1 is on the minus strand). VCF-style: chr2-214780888-G-A. GRCh37 (hg19) VCF-style: chr2-215645612-G-A.
Other names: c.929C>T, p.Ser310Phe (NM_001282543.2); c.159-28333C>T (NM_001282548.2); c.215+16173C>T (NM_001282545.2); c.364+11409C>T (NM_001282549.2); short protein forms S310F, S329F.
Identifiers: ClinVar variation 1321035 (VCV001321035.4), dbSNP rs905626929, ClinGen allele CA350454508.

ClinVar aggregate classification (germline): Uncertain significance. Review status: criteria provided, multiple submitters, no conflicts (2 of 4 stars). 2 submissions from 2 submitters: Uncertain significance (2). Last evaluated 2022-08-04.

Conditions:
Hereditary cancer-predisposing syndrome. Also called: Hereditary neoplastic syndrome; Neoplastic Syndromes, Hereditary; Tumor predisposition; Hereditary Cancer Syndrome. Identifiers: Orphanet 140162, MedGen C0027672, MeSH D009386, MONDO:0015356.

Allele frequency attached by ClinVar (database versions not stated): gnomAD exomes below 0.00001.

Submissions (2):

Ambry Genetics
Classification: Uncertain significance for Hereditary cancer-predisposing syndrome. Last evaluated: 2022-08-04. Review status: criteria provided, single submitter. Criteria: Ambry Variant Classification Scheme 2023. Collection method: clinical testing. Allele origin: germline.
Comment: The p.S329F variant (also known as c.986C>T), located in coding exon 4 of the BARD1 gene, results from a C to T substitution at nucleotide position 986. The serine at codon 329 is replaced by phenylalanine, an amino acid with highly dissimilar properties. This amino acid position is poorly conserved in available vertebrate species. In addition, this alteration is predicted to be tolerated by in silico analysis. Since supporting evidence is limited at this time, the clinical significance of this alteration remains unclear.

GeneDx
Classification: Uncertain significance. Last evaluated: 2019-12-09. Review status: criteria provided, single submitter. Criteria: GeneDx Variant Classification Process June 2021. Collection method: clinical testing. Allele origin: germline. Affected: yes.
Comment: Not observed at a significant frequency in large population cohorts (Lek 2016); In silico analysis, which includes protein predictors and evolutionary conservation, supports that this variant does not alter protein structure/function; Has not been previously published as pathogenic or benign to our knowledge